The following is an entry in ClinVar:

NM_144670.6(A2ML1):c.797G>A (p.Trp266Ter)

Gene: A2ML1 (alpha-2-macroglobulin like 1; plus strand). Cytogenetic location: 12p13.31.
Variant type: single nucleotide variant.
Coding change: c.797G>A on transcript NM_144670.6 (MANE Select); coding-DNA position 797, G replaced by A.
Protein change: p.Trp266Ter; replaces tryptophan 266 with a stop codon.
Molecular consequence: nonsense.
Genome position (GRCh38, 1-based): chr12:8,837,508, G>A. VCF-style: chr12-8837508-G-A. GRCh37 (hg19) VCF-style: chr12-8990104-G-A.
Other names: short protein forms W266*.
Identifiers: ClinVar variation 1413465 (VCV001413465.6), dbSNP rs2136774929, ClinGen allele CA383822945.
Genomic context (GRCh38, chr12:8,837,508, plus strand): 5'-ATGGAAAGCCCATGCTAGGGGCAGTGCAGGTATCTGTGTGTCAGAAGGCAAATACTTACT[G>A]GTATCGAGAGGTGGAACGGGAACAGCTTCCTGACAAATGCAGGAACCTCTCTGGACAGGT-3'

ClinVar aggregate classification (germline): Uncertain significance (1 of 4 stars; one submission).

Submission:

Labcorp Genetics (formerly Invitae), Labcorp
Classification: Uncertain significance. Last evaluated: 2021-08-17. Review status: criteria provided, single submitter. Criteria: Invitae Variant Classification Sherloc (09022015). Collection method: clinical testing. Allele origin: germline.
Comment: In summary, the available evidence is currently insufficient to determine the role of this variant in disease. Therefore, it has been classified as a Variant of Uncertain Significance. This variant has not been reported in the literature in individuals with A2ML1-related conditions. This variant is not present in population databases (ExAC no frequency). This sequence change creates a premature translational stop signal (p.Trp266*) in the A2ML1 gene. It is expected to result in an absent or disrupted protein product. However, the current clinical and genetic evidence is not sufficient to establish whether loss-of-function variants in A2ML1 cause disease.